The following is an entry in ClinVar:

NM_198576.4(AGRN):c.5944G>A (p.Ala1982Thr)

Gene: AGRN (agrin; plus strand). Cytogenetic location: 1p36.33.
Variant type: single nucleotide variant.
Coding change: c.5944G>A on transcript NM_198576.4 (MANE Select); coding-DNA position 5944, G replaced by A.
Protein change: p.Ala1982Thr; replaces alanine 1982 with threonine.
Molecular consequence: missense variant.
Genome position (GRCh38, 1-based): chr1:1,054,515, G>A. VCF-style: chr1-1054515-G-A. GRCh37 (hg19) VCF-style: chr1-989895-G-A.
Other names: c.6013G>A, p.Ala2005Thr (NM_001305275.2); c.5641G>A, p.Ala1881Thr (NM_001364727.2); short protein forms A1982T, A2005T, A1881T.
Identifiers: ClinVar variation 577765 (VCV000577765.4), dbSNP rs768666839, ClinGen allele CA510285.

ClinVar aggregate classification (germline): Uncertain significance (1 of 4 stars; one submission).

Conditions:
Congenital myasthenic syndrome 8. Also called: MYASTHENIC SYNDROME, CONGENITAL, DUE TO AGRIN DEFICIENCY; Myasthenic syndrome, congenital, 8, with pre- and postsynaptic defects. Identifiers: Orphanet 590, MedGen C3808739, MONDO:0014052, OMIM 615120.

Allele frequency attached by ClinVar (database versions not stated): gnomAD 0.00001; gnomAD exomes 0.00001; TOPMed 0.00002; ExAC 0.00004.
gnomAD v4.1: 19 of 1,603,196 alleles (0.0012%); highest among the groups gnomAD compares: Middle Eastern, 0.019%; no homozygotes.

Submission:

Labcorp Genetics (formerly Invitae), Labcorp
Classification: Uncertain significance for Congenital myasthenic syndrome 8. Last evaluated: 2023-05-15. Review status: criteria provided, single submitter. Criteria: Invitae Variant Classification Sherloc (09022015). Collection method: clinical testing. Allele origin: germline.
Comment: In summary, the available evidence is currently insufficient to determine the role of this variant in disease. Therefore, it has been classified as a Variant of Uncertain Significance. An algorithm developed to predict the effect of missense changes on protein structure and function (PolyPhen-2) suggests that this variant is likely to be disruptive. ClinVar contains an entry for this variant (Variation ID: 577765). This variant has not been reported in the literature in individuals affected with AGRN-related conditions. The frequency data for this variant in the population databases is considered unreliable, as metrics indicate poor data quality at this position in the gnomAD database. This sequence change replaces alanine, which is neutral and non-polar, with threonine, which is neutral and polar, at codon 1982 of the AGRN protein (p.Ala1982Thr).